The following is an entry in ClinVar:

NM_002025.4(AFF2):c.1262+1G>A

Gene: AFF2 (ALF transcription elongation factor 2; plus strand). Cytogenetic location: Xq28.
Variant type: single nucleotide variant.
Coding change: c.1262+1G>A on transcript NM_002025.4 (MANE Select); the canonical splice donor site of the intron after coding-DNA position 1262, G replaced by A.
Molecular consequence: splice donor variant. On other transcripts: intron variant (3).
Genome position (GRCh38, 1-based): chrX:148,843,434, G>A. VCF-style: chrX-148843434-G-A. GRCh37 (hg19) VCF-style: chrX-147924958-G-A.
Other names: c.1157+19G>A (NM_001169124.2); c.1232+19G>A (NM_001169123.2); c.1163+1G>A (NM_001169122.2); c.1145+19G>A (NM_001169125.2); c.185+1G>A (NM_001170628.1).
Identifiers: ClinVar variation 2664656 (VCV002664656.3), dbSNP rs782019909.

ClinVar aggregate classification (germline): Likely pathogenic. Review status: criteria provided, single submitter (1 of 4 stars). 2 submissions from 2 submitters: Likely pathogenic (1). 1 of the submissions does not count toward it. Last evaluated 2026-08-17.

Conditions:
FRAXE. Also called: Fragile XE syndrome; FRAXE Syndrome; FRAXE intellectual disability; Intellectual disability, X-linked, FRAXE type; Intellectual developmental disorder, X-linked 109. Identifiers: Orphanet 100973, MedGen C0751157, MONDO:0010659, OMIM 309548. Disease mechanism: loss of function.

Allele frequency attached by ClinVar (database versions not stated): ExAC 0.00001; gnomAD 0.00001; TOPMed 0.00001.
gnomAD v4.1: 5 of 1,204,304 alleles (0.00042%); highest among the groups gnomAD compares: South Asian, 0.0018%; no homozygotes.

Submissions (2):

Myriad Genetics, Inc.
Classification: Likely pathogenic for FRAXE. Last evaluated: 2026-08-17. Review status: criteria provided, single submitter. Criteria: Myriad Autosomal Dominant, Autosomal Recessive and X-Linked Classification Criteria (2023). Collection method: clinical testing. Allele origin: unknown.
Comment: NM_002025.3(AFF2):c.1262+1G>A is a variant in a canonical splice site classified as likely pathogenic in the context of fragile XE syndrome. c.1262+1G>A has been observed in a case with relevant disease (PMID: 39342494). Relevant functional assessments of this variant are not available in the literature. c.1262+1G>A has been observed in referenced population frequency databases. In summary, NM_002025.3(AFF2):c.1262+1G>A is a variant in a canonical splice site in a gene where loss of function is a known mechanism of disease, is predicted to disrupt protein function, and has been observed more frequently in cases with the relevant disease than in healthy populations. Please note: this variant was assessed in the context of healthy population screening.

Genetics and Genomic Medicine Centre, NeuroGen Healthcare, NeuroGen Healthcare
Classification: Likely pathogenic. Last evaluated: 2022-05-05. Review status: no assertion criteria provided. Collection method: clinical testing. Allele origin: unknown. Affected: yes. Not counted in ClinVar's aggregate classification.

Literature cited by the submitters: PubMed 39342494 (cited by Myriad Genetics, Inc.).